The following is an entry in ClinVar:

NM_001128228.3(TPRN):c.1818GGA[6] (p.Glu619_Glu621del)

Gene: TPRN (taperin; minus strand). Cytogenetic location: 9q34.3.
Variant type: Microsatellite.
Coding change: c.1818GGA[6] on transcript NM_001128228.3 (MANE Select); six copies in a row of the 3-base unit GGA starting at c.1818; the reference has nine copies in a row; three copies, 9 bases deleted.
Protein change: p.Glu619_Glu621del.
Molecular consequence: inframe deletion.
Genome position (GRCh38, 1-based): chr9:137,192,573-137,192,581, TCCTCCTCC deleted on the plus strand (GGAGGAGGA on the coding strand, the reverse complement: TPRN is on the minus strand); deleting any 9 consecutive bases within chr9:137,192,573-137,192,600 gives the same sequence; the position shown is the placement nearest the transcript's 3' end. VCF-style (leftmost placement, unchanged base first): chr9-137192572-TTCCTCCTCC-T. GRCh37 (hg19) VCF-style: chr9-140087024-TTCCTCCTCC-T.
Identifiers: ClinVar variation 2890459 (VCV002890459.3), dbSNP rs376810326, ClinGen allele CA201715494.

ClinVar aggregate classification (germline): Uncertain significance (1 of 4 stars; one submission).

Submission:

Labcorp Genetics (formerly Invitae), Labcorp
Classification: Uncertain significance. Last evaluated: 2023-05-02. Review status: criteria provided, single submitter. Criteria: Invitae Variant Classification Sherloc (09022015). Collection method: clinical testing. Allele origin: germline.
Comment: This variant, c.1836_1844del, results in the deletion of 3 amino acid(s) of the TPRN protein (p.Glu619_Glu621del), but otherwise preserves the integrity of the reading frame. The frequency data for this variant in the population databases is considered unreliable, as metrics indicate poor data quality at this position in the gnomAD database. This variant has not been reported in the literature in individuals affected with TPRN-related conditions. Experimental studies and prediction algorithms are not available or were not evaluated, and the functional significance of this variant is currently unknown. In summary, the available evidence is currently insufficient to determine the role of this variant in disease. Therefore, it has been classified as a Variant of Uncertain Significance.